The following is an entry in ClinVar:

ClinVar aggregate classification (germline): Uncertain significance. Review status: criteria provided, multiple submitters, no conflicts (2 of 4 stars). 3 submissions from 3 submitters: Uncertain significance (3). Last evaluated 2024-04-10.

Conditions:
Hyperparathyroidism 1 (HRPT1). Also called: HYPERPARATHYROIDISM, FAMILIAL ISOLATED PRIMARY. Identifiers: Orphanet 99879, MedGen C1840402, MONDO:0007767, OMIM 145000.
Parathyroid carcinoma (PRTC). Also called: CDC73-Related Parathyroid Carcinoma; Parathyroid gland carcinoma. Identifiers: Orphanet 143, MedGen C0687150, MONDO:0012004, OMIM 608266, HP:0006780.
Hyperparathyroidism 2 with jaw tumors. Also called: Hyperparathyroidism-Jaw Tumor Syndrome; Hyperparathyroidism 2; HYPERPARATHYROIDISM, FAMILIAL PRIMARY, WITH MULTIPLE OSSIFYING JAW FIBROMAS; HYPERPARATHYROIDISM-JAW TUMOR SYNDROME, HEREDITARY. Identifiers: Orphanet 99880, MedGen C1704981, MONDO:0007768, OMIM 145001.
Hereditary cancer-predisposing syndrome. Also called: Tumor predisposition; Hereditary neoplastic syndrome; Neoplastic Syndromes, Hereditary; Hereditary Cancer Syndrome. Identifiers: Orphanet 140162, MedGen C0027672, MeSH D009386, MONDO:0015356.

Submissions (3):

Fulgent Genetics
Classification: Uncertain significance for Hyperparathyroidism 1; Hyperparathyroidism 2 with jaw tumors; Parathyroid carcinoma. Last evaluated: 2024-04-10. Review status: criteria provided, single submitter. Criteria: ACMG Guidelines, 2015. Collection method: clinical testing. Allele origin: germline.

Labcorp Genetics (formerly Invitae), Labcorp
Classification: Uncertain significance for Parathyroid carcinoma. Last evaluated: 2023-03-21. Review status: criteria provided, single submitter. Criteria: Invitae Variant Classification Sherloc (09022015). Collection method: clinical testing. Allele origin: germline.
Comment: In summary, the available evidence is currently insufficient to determine the role of this variant in disease. Therefore, it has been classified as a Variant of Uncertain Significance. This sequence change replaces glycine, which is neutral and non-polar, with serine, which is neutral and polar, at codon 326 of the CDC73 protein (p.Gly326Ser). This variant is not present in population databases (gnomAD no frequency). This variant has not been reported in the literature in individuals affected with CDC73-related conditions. ClinVar contains an entry for this variant (Variation ID: 1502509). Advanced modeling of protein sequence and biophysical properties (such as structural, functional, and spatial information, amino acid conservation, physicochemical variation, residue mobility, and thermodynamic stability) performed at Invitae indicates that this missense variant is not expected to disrupt CDC73 protein function.

Ambry Genetics
Classification: Uncertain significance for Hereditary cancer-predisposing syndrome. Last evaluated: 2022-01-05. Review status: criteria provided, single submitter. Criteria: Ambry Variant Classification Scheme 2023. Collection method: clinical testing. Allele origin: germline.
Comment: The p.G326S variant (also known as c.976G>A), located in coding exon 11 of the CDC73 gene, results from a G to A substitution at nucleotide position 976. The glycine at codon 326 is replaced by serine, an amino acid with similar properties. This amino acid position is highly conserved in available vertebrate species. In addition, the in silico prediction for this alteration is inconclusive. Since supporting evidence is limited at this time, the clinical significance of this alteration remains unclear.

NM_024529.5(CDC73):c.976G>A (p.Gly326Ser)

Gene: CDC73 (cell division cycle 73; plus strand). Cytogenetic location: 1q31.2.
Variant type: single nucleotide variant.
Coding change: c.976G>A on transcript NM_024529.5 (MANE Select); coding-DNA position 976, G replaced by A.
Protein change: p.Gly326Ser; replaces glycine 326 with serine.
Molecular consequence: missense variant.
Genome position (GRCh38, 1-based): chr1:193,203,798, G>A. VCF-style: chr1-193203798-G-A. GRCh37 (hg19) VCF-style: chr1-193172928-G-A.
Other names: short protein forms G326S.
Identifiers: ClinVar variation 1502509 (VCV001502509.11), dbSNP rs2103178025, ClinGen allele CA344076083.